The following is an entry in ClinVar:

ClinVar aggregate classification (germline): Uncertain significance. Review status: criteria provided, multiple submitters, no conflicts (2 of 4 stars). 4 submissions from 4 submitters: Uncertain significance (4). Last evaluated 2026-03-31.

Conditions:
Hereditary cancer-predisposing syndrome. Also called: Hereditary Cancer Syndrome; Hereditary neoplastic syndrome; Tumor predisposition; Neoplastic Syndromes, Hereditary. Identifiers: Orphanet 140162, MedGen C0027672, MeSH D009386, MONDO:0015356.
Tuberous sclerosis syndrome (TSC). Also called: Tuberous Sclerosis Complex; Tuberous sclerosis. Identifiers: Orphanet 805, MedGen C0041341, MONDO:0001734.
Tuberous sclerosis 2 (TSC2). Identifiers: Orphanet 805, MedGen C1860707, MONDO:0013199, OMIM 613254.

Submissions (4):

Dasa
Classification: Uncertain significance for Tuberous sclerosis 2. Last evaluated: 2026-03-31. Review status: criteria provided, single submitter. Criteria: DASA Assertion Criteria. Collection method: clinical testing. Allele origin: germline.
Comment: NM_000548.5(TSC2):c.2990G>T (p.Ser997Ile) is a missense variant that results in the substitution of serine with isoleucine. This variant is rare in population databases. The currently available literature and clinical evidence are not sufficient to establish a definitive association between this variant and the reported condition. Therefore, this variant is classified as a variant of uncertain significance.

Ambry Genetics
Classification: Uncertain significance for Hereditary cancer-predisposing syndrome. Last evaluated: 2025-01-06. Review status: criteria provided, single submitter. Criteria: Ambry Variant Classification Scheme 2023. Collection method: clinical testing. Allele origin: germline.
Comment: The p.S997I variant (also known as c.2990G>T), located in coding exon 26 of the TSC2 gene, results from a G to T substitution at nucleotide position 2990. The serine at codon 997 is replaced by isoleucine, an amino acid with dissimilar properties. This amino acid position is not well conserved in available vertebrate species. In addition, this alteration is predicted to be deleterious by in silico analysis. Based on the available evidence, the clinical significance of this variant remains unclear.

All of Us Research Program, National Institutes of Health
Classification: Uncertain significance for Tuberous sclerosis syndrome. Last evaluated: 2024-06-09. Review status: criteria provided, single submitter. Criteria: ACMG Guidelines, 2015. Collection method: clinical testing. Allele origin: germline. Inheritance: Autosomal dominant inheritance. Observed: 1 variant allele, 1 heterozygote.
Comment: This missense variant replaces serine with isoleucine at codon 997 of the TSC2 protein. Computational prediction is inconclusive regarding the impact of this variant on protein structure and function. To our knowledge, functional studies have not been reported for this variant. This variant has not been reported in individuals affected with TSC2-related disorders in the literature. This variant has not been identified in the general population by the Genome Aggregation Database (gnomAD). The available evidence is insufficient to determine the role of this variant in disease conclusively. Therefore, this variant is classified as a Variant of Uncertain Significance.

This study involves interpretation of variants in research participants for the purpose of population health screening. Participant phenotype was not available at the time of variant classification. Additional details can be found in publication PMID: 35346344, PMCID: PMC8962531

Labcorp Genetics (formerly Invitae), Labcorp
Classification: Uncertain significance for Tuberous sclerosis 2. Last evaluated: 2024-01-04. Review status: criteria provided, single submitter. Criteria: Invitae Variant Classification Sherloc (09022015). Collection method: clinical testing. Allele origin: germline.
Comment: This sequence change replaces serine, which is neutral and polar, with isoleucine, which is neutral and non-polar, at codon 997 of the TSC2 protein (p.Ser997Ile). This variant is not present in population databases (gnomAD no frequency). This variant has not been reported in the literature in individuals affected with TSC2-related conditions. ClinVar contains an entry for this variant (Variation ID: 641667). Advanced modeling of protein sequence and biophysical properties (such as structural, functional, and spatial information, amino acid conservation, physicochemical variation, residue mobility, and thermodynamic stability) performed at Invitae indicates that this missense variant is not expected to disrupt TSC2 protein function with a negative predictive value of 95%. In summary, the available evidence is currently insufficient to determine the role of this variant in disease. Therefore, it has been classified as a Variant of Uncertain Significance.

NM_000548.5(TSC2):c.2990G>T (p.Ser997Ile)

Gene: TSC2 (TSC complex subunit 2; plus strand). Cytogenetic location: 16p13.3.
Variant type: single nucleotide variant.
Coding change: c.2990G>T on transcript NM_000548.5 (MANE Select); coding-DNA position 2990, G replaced by T.
Protein change: p.Ser997Ile; replaces serine 997 with isoleucine.
Molecular consequence: missense variant.
Genome position (GRCh38, 1-based): chr16:2,079,055, G>T. VCF-style: chr16-2079055-G-T. GRCh37 (hg19) VCF-style: chr16-2129056-G-T.
Other names: c.2858G>T, p.Ser953Ile (NM_001077183.3, NM_001370404.1); c.2990G>T, p.Ser997Ile (NM_001114382.3); c.2750G>T, p.Ser917Ile (NM_001318827.2); c.2714G>T, p.Ser905Ile (NM_001318829.2); c.2258G>T, p.Ser753Ile (NM_001318831.2); c.2891G>T, p.Ser964Ile (NM_001318832.2); c.2861G>T, p.Ser954Ile (NM_001363528.2, NM_001370405.1, NM_021055.3); short protein forms S917I, S753I, S905I, S953I, S954I, S964I, S997I.
Identifiers: ClinVar variation 641667 (VCV000641667.12), dbSNP rs1596382214, ClinGen allele CA394283670.